The following is an entry in ClinVar:

NM_000210.4(ITGA6):c.*2088T>G

Genes: ITGA6 (integrin subunit alpha 6; plus strand), PDK1-AS1 (PDK1 and ITGA6 antisense RNA 1; minus strand). Cytogenetic location: 2q31.1.
Variant type: single nucleotide variant.
Coding change: c.*2088T>G on transcript NM_000210.4 (MANE Select); 2088 bases downstream of the stop codon, T replaced by G.
Molecular consequence: 3 prime UTR variant.
Genome position (GRCh38, 1-based): chr2:172,506,156, T>G. VCF-style: chr2-172506156-T-G. GRCh37 (hg19) VCF-style: chr2-173370884-T-G.
Other names: c.*1904T>G (NM_001079818.3, NM_001365529.2); c.*2088T>G (NM_001316306.2, NM_001365530.2).
Identifiers: ClinVar variation 332422 (VCV000332422.5), dbSNP rs114786166, ClinGen allele CA10613066.

ClinVar aggregate classification (germline): Benign (1 of 4 stars; one submission).

Conditions:
Junctional epidermolysis bullosa with pyloric atresia. Also called: ITGB4-Related Epidermolysis Bullosa with Pyloric Atresia; ITGA6-Related Epidermolysis Bullosa with Pyloric Atresia; EPIDERMOLYSIS BULLOSA, JUNCTIONAL 5B, WITH PYLORIC ATRESIA; APLASIA CUTIS CONGENITA WITH GASTROINTESTINAL ATRESIA; CARMI SYNDROME; EB-PA-ACC. Identifiers: Orphanet 79403, MedGen C5676875, MONDO:0009183, OMIM 226730.

Allele frequency attached by ClinVar (database versions not stated): gnomAD 0.00410 and 0.00438; TOPMed 0.00457; 1000 Genomes Project 0.00579; 1000 Genomes Project 30x 0.00656.

Submission:

Illumina Laboratory Services, Illumina
Classification: Benign for Junctional epidermolysis bullosa with pyloric atresia. Last evaluated: 2018-01-12. Review status: criteria provided, single submitter. Criteria: ICSL Variant Classification Criteria 13 December 2019. Collection method: clinical testing. Allele origin: germline.
Comment: This variant was observed in the ICSL laboratory as part of a predisposition screen in an ostensibly healthy population. It had not been previously curated by ICSL or reported in the Human Gene Mutation Database (HGMD: prior to June 1st, 2018), and was therefore a candidate for classification through an automated scoring system. Utilizing variant allele frequency, disease prevalence and penetrance estimates, and inheritance mode, an automated score was calculated to assess if this variant is too frequent to cause the disease. Based on the score and internal cut-off values, a variant classified as benign is not then subjected to further curation. The score for this variant resulted in a classification of benign for this disease.